The following is an entry in ClinVar:

ClinVar aggregate classification (germline): Benign. Review status: criteria provided, multiple submitters, no conflicts (2 of 4 stars). 5 submissions from 5 submitters: Benign (4). 1 of the submissions does not count toward it. Last evaluated 2026-01-27.

Conditions:
CIT-related disorder. Also called: CIT-related condition.

Allele frequency attached by ClinVar (database versions not stated): gnomAD exomes 0.00075 and 0.00168; ExAC 0.00211; 1000 Genomes Project 0.00519; 1000 Genomes Project 30x 0.00578; ESP Exome Variant Server 0.00630; gnomAD 0.00632 and 0.00675; TOPMed 0.00705.
gnomAD v4.1: 2,082 of 1,613,642 alleles (0.13%); highest among the groups gnomAD compares: African/African-American, 2.2%; 26 homozygotes.

Submissions (5):

Labcorp Genetics (formerly Invitae), Labcorp
Classification: Benign. Last evaluated: 2026-01-27. Review status: criteria provided, single submitter. Criteria: Invitae Variant Classification Sherloc (09022015). Collection method: clinical testing. Allele origin: germline.

Genetic Services Laboratory, University of Chicago
Classification: Benign. Last evaluated: 2020-03-05. Review status: criteria provided, single submitter. Criteria: ACMG Guidelines, 2015. Collection method: clinical testing. Allele origin: germline. Affected: no.

GeneDx
Classification: Benign. Last evaluated: 2019-03-13. Review status: criteria provided, single submitter. Criteria: GeneDx Variant Classification Process June 2021. Collection method: clinical testing. Allele origin: germline. Affected: yes.

Breakthrough Genomics
Classification: Benign. Review status: criteria provided, single submitter. Criteria: ACMG Guidelines, 2015. Collection method: not provided. Allele origin: germline. Inheritance: Autosomal recessive inheritance. Affected: yes.

PreventionGenetics, part of Exact Sciences
Classification: Benign for CIT-related condition. Last evaluated: 2019-10-15. Review status: no assertion criteria provided. Collection method: clinical testing. Allele origin: germline. Not counted in ClinVar's aggregate classification.
Comment: This variant is classified as benign based on ACMG/AMP sequence variant interpretation guidelines (Richards et al. 2015 PMID: 25741868, with internal and published modifications).

NM_001206999.2(CIT):c.5868G>A (p.Pro1956=)

Gene: CIT (citron rho-interacting serine/threonine kinase; minus strand). Cytogenetic location: 12q24.23.
Variant type: single nucleotide variant.
Coding change: c.5868G>A on transcript NM_001206999.2 (MANE Select); coding-DNA position 5868, G replaced by A.
Protein change: p.Pro1956=; no amino-acid change (proline 1956 retained).
Molecular consequence: synonymous variant.
Genome position (GRCh38, 1-based): chr12:119,697,673, C>T on the plus strand (G>A on the coding strand, the complement: CIT is on the minus strand). VCF-style: chr12-119697673-C-T. GRCh37 (hg19) VCF-style: chr12-120135478-C-T.
Other names: c.5742G>A, p.Pro1914= (NM_007174.3).
Identifiers: ClinVar variation 779611 (VCV000779611.16), dbSNP rs35431237, ClinGen allele CA6820701.